The following is an entry in ClinVar:

ClinVar aggregate classification (germline): Likely pathogenic. Review status: criteria provided, multiple submitters, no conflicts (2 of 4 stars). 4 submissions from 4 submitters: Likely pathogenic (4). Last evaluated 2025-08-11.

Conditions:
Spongy degeneration of central nervous system. Also called: AMINOACYLASE 2 DEFICIENCY; ACY2 DEFICIENCY; ASP DEFICIENCY; ASPA DEFICIENCY; ASPARTOACYLASE DEFICIENCY; CANAVAN-VAN BOGAERT-BERTRAND DISEASE. Identifiers: Orphanet 141, MedGen C0206307, MONDO:0010079, OMIM 271900.
Canavan Disease, Familial Form. Identifiers: MedGen C0751663.

Allele frequency attached by ClinVar (database versions not stated): gnomAD exomes below 0.00001.
gnomAD v4.1: 1 of 1,590,380 alleles (0.000063%); highest among the groups gnomAD compares: Non-Finnish European, 0.000086%; no homozygotes.

Submissions (4):

Natera, Inc.
Classification: Likely pathogenic for Canavan Disease. Last evaluated: 2025-08-11. Review status: criteria provided, single submitter. Criteria: Natera Variant Classification Schema (03/2026). Collection method: clinical testing. Allele origin: germline.
Comment: The c.432+1G>A variant in ASPA is a canonical splice donor site variant predicted to affect pre-mRNA splicing, which may result in an abnormal transcript and altered protein product. This variant is expected to result in nonsense mediated decay, truncation, or a dysfunctional protein product. This variant is rare in the general population with a frequency below the threshold expected for the associated phenotype(s). Given the available evidence, this variant is classified as Likely Pathogenic.

Women's Health and Genetics/Laboratory Corporation of America, LabCorp
Classification: Likely pathogenic for Canavan Disease, Familial Form. Last evaluated: 2024-07-31. Review status: criteria provided, single submitter. Criteria: LabCorp Variant Classification Summary - May 2015. Collection method: clinical testing. Allele origin: germline.
Comment: Variant summary: ASPA c.432+1G>A is located in a canonical splice-site and is predicted to affect mRNA splicing resulting in a significantly altered protein due to either exon skipping, shortening, or inclusion of intronic material. Variants that disrupt the consensus splice site are a relatively common cause of aberrant splicing and loss of ASPA function. Several computational tools predict a significant impact on normal splicing: Three predict the variant abolishes a 5' splicing donor site. However, these predictions have yet to be confirmed by functional studies. The variant was absent in 232326 control chromosomes. c.432+1G>A has been reported in the literature in individuals affected with Canavan Disease (Unalp_2008). These data indicate that the variant may be associated with disease. To our knowledge, no experimental evidence demonstrating an impact on protein function has been reported. The following publication have been ascertained in the context of this evaluation (PMID: 17999961). ClinVar contains an entry for this variant (Variation ID: 2736392). Based on the evidence outlined above, the variant was classified as likely pathogenic.

Labcorp Genetics (formerly Invitae), Labcorp
Classification: Likely pathogenic for Spongy degeneration of central nervous system. Last evaluated: 2023-01-29. Review status: criteria provided, single submitter. Criteria: Invitae Variant Classification Sherloc (09022015). Collection method: clinical testing. Allele origin: germline.
Comment: Disruption of this splice site has been observed in individual(s) with clinical features of Canavan disease (PMID: 17999961). This variant is not present in population databases (gnomAD no frequency). This sequence change affects a donor splice site in intron 2 of the ASPA gene. It is expected to disrupt RNA splicing. Variants that disrupt the donor or acceptor splice site typically lead to a loss of protein function (PMID: 16199547), and loss-of-function variants in ASPA are known to be pathogenic (PMID: 12638939). Algorithms developed to predict the effect of sequence changes on RNA splicing suggest that this variant may disrupt the consensus splice site. In summary, the currently available evidence indicates that the variant is pathogenic, but additional data are needed to prove that conclusively. Therefore, this variant has been classified as Likely Pathogenic.

Kariminejad - Najmabadi Pathology & Genetics Center
Classification: Likely pathogenic for Spongy degeneration of central nervous system. Review status: criteria provided, single submitter. Criteria: ACMG Guidelines, 2015. Collection method: clinical testing. Allele origin: germline. Affected: no.

Literature cited by the submitters: PubMed 17999961 (cited by Women's Health and Genetics/Laboratory Corporation of America, LabCorp and Labcorp Genetics (formerly Invitae), Labcorp); PubMed 16199547 (cited by Labcorp Genetics (formerly Invitae), Labcorp); PubMed 12638939 (cited by Labcorp Genetics (formerly Invitae), Labcorp).

NM_000049.4(ASPA):c.432+1G>A

Genes: ASPA (aspartoacylase; plus strand), SPATA22 (spermatogenesis associated 22; minus strand). Cytogenetic location: 17p13.2.
Variant type: single nucleotide variant.
Coding change: c.432+1G>A on transcript NM_000049.4 (MANE Select); the canonical splice donor site of the intron after coding-DNA position 432, G replaced by A.
Molecular consequence: splice donor variant. On other transcripts: intron variant (2).
Genome position (GRCh38, 1-based): chr17:3,481,799, G>A. VCF-style: chr17-3481799-G-A. GRCh37 (hg19) VCF-style: chr17-3385093-G-A.
Other names: c.-73-12401C>T (NM_001321336.2, NM_001321337.2); c.432+1G>A (NM_001128085.1, NM_000049.2).
Identifiers: ClinVar variation 2736392 (VCV002736392.5), dbSNP rs2150746934, ClinGen allele CA397682627.